The following is an entry in ClinVar:

NM_133642.5(LARGE1):c.1521C>A (p.Asp507Glu)

Gene: LARGE1 (LARGE xylosyl- and glucuronyltransferase 1; minus strand). Cytogenetic location: 22q12.3.
Variant type: single nucleotide variant.
Coding change: c.1521C>A on transcript NM_133642.5 (MANE Select); coding-DNA position 1521, C replaced by A.
Protein change: p.Asp507Glu; replaces aspartic acid 507 with glutamic acid.
Molecular consequence: missense variant.
Genome position (GRCh38, 1-based): chr22:33,304,438, G>T on the plus strand (C>A on the coding strand, the complement: LARGE1 is on the minus strand). VCF-style: chr22-33304438-G-T. GRCh37 (hg19) VCF-style: chr22-33700424-G-T.
Other names: c.1521C>A, p.Asp507Glu (NM_001362949.2, NM_001362951.2, NM_001362953.2 and 6 more transcripts); c.1365C>A, p.Asp455Glu (NM_001378629.1); c.918C>A, p.Asp306Glu (NM_001378630.1); c.762C>A, p.Asp254Glu (NM_001378631.1); short protein forms D507E, D254E, D306E, D455E.
Identifiers: ClinVar variation 646799 (VCV000646799.9), dbSNP rs1312649028, ClinGen allele CA411544540.

ClinVar aggregate classification (germline): Uncertain significance (1 of 4 stars; one submission).

Conditions:
Muscular dystrophy-dystroglycanopathy type B6 (MDDGB6). Also called: MUSCULAR DYSTROPHY-DYSTROGLYCANOPATHY (CONGENITAL WITH IMPAIRED INTELLECTUAL DEVELOPMENT), TYPE B, 6; MUSCULAR DYSTROPHY, CONGENITAL, LARGE-RELATED; MUSCULAR DYSTROPHY, CONGENITAL, TYPE 1D. Identifiers: MedGen C1837229, MONDO:0012138, OMIM 608840.

Allele frequency attached by ClinVar (database versions not stated): gnomAD 0.00006.
gnomAD v4.1: 2 of 1,613,966 alleles (0.00012%); highest among the groups gnomAD compares: Non-Finnish European, 0.00017%; no homozygotes.

Submission:

Labcorp Genetics (formerly Invitae), Labcorp
Classification: Uncertain significance for Muscular dystrophy-dystroglycanopathy type B6. Last evaluated: 2025-06-02. Review status: criteria provided, single submitter. Criteria: Invitae Variant Classification Sherloc (09022015). Collection method: clinical testing. Allele origin: germline.
Comment: This sequence change replaces aspartic acid, which is acidic and polar, with glutamic acid, which is acidic and polar, at codon 507 of the LARGE1 protein (p.Asp507Glu). This variant is present in population databases (no rsID available, gnomAD 0.01%). This variant has not been reported in the literature in individuals affected with LARGE1-related conditions. ClinVar contains an entry for this variant (Variation ID: 646799). Invitae Evidence Modeling of protein sequence and biophysical properties (such as structural, functional, and spatial information, amino acid conservation, physicochemical variation, residue mobility, and thermodynamic stability) indicates that this missense variant is expected to disrupt LARGE1 protein function with a positive predictive value of 80%. In summary, the available evidence is currently insufficient to determine the role of this variant in disease. Therefore, it has been classified as a Variant of Uncertain Significance.